The following is an entry in ClinVar:

ClinVar aggregate classification (germline): Uncertain significance. Review status: criteria provided, multiple submitters, no conflicts (2 of 4 stars). 5 submissions from 5 submitters: Uncertain significance (5). Last evaluated 2025-07-31.

Conditions:
LRP5-related disorder. Also called: LRP5-related condition.
Autosomal dominant osteopetrosis 1 (OPTA1). Also called: OSTEOPETROSIS, AUTOSOMAL DOMINANT, TYPE I. Identifiers: Orphanet 2783, MedGen C1843330, MONDO:0011877, OMIM 607634.
Worth disease. Also called: ENDOSTEAL HYPEROSTOSIS, AUTOSOMAL DOMINANT; OSTEOSCLEROSIS, AUTOSOMAL DOMINANT; Autosomal dominant osteosclerosis, Worth type. Identifiers: Orphanet 2790, MedGen C0432273, MONDO:0007764, OMIM 144750.
Polycystic liver disease 4 with or without kidney cysts. Identifiers: MedGen C4693479, MONDO:0044327, OMIM 617875.
Exudative vitreoretinopathy 4 (EVR4). Identifiers: Orphanet 891, MedGen C1866176, MONDO:0011151, OMIM 601813.
Osteoporosis with pseudoglioma (OPPG). Also called: osteoporosis-pseudoglioma syndrome. Identifiers: Orphanet 2788, MedGen C0432252, MONDO:0009820, OMIM 259770.
Bone mineral density quantitative trait locus 1 (BMND1). Identifiers: MedGen C1866079, OMIM 601884.
Inborn genetic diseases. Identifiers: MedGen C0950123, MeSH D030342.

Allele frequency attached by ClinVar (database versions not stated): gnomAD exomes 0.00001 and 0.00002; gnomAD 0.00009 and 0.00010; TOPMed 0.00019.
gnomAD v4.1: 33 of 1,614,056 alleles (0.002%); highest among the groups gnomAD compares: Admixed American, 0.038%; 1 homozygote.

Submissions (5):

PreventionGenetics, part of Exact Sciences
Classification: Uncertain significance for LRP5-related condition. Last evaluated: 2025-07-31. Review status: criteria provided, single submitter. Criteria: ACMG Guidelines, 2015. Collection method: clinical testing. Allele origin: germline.
Comment: The LRP5 c.1744A>G variant is predicted to result in the amino acid substitution p.Ile582Val. To our knowledge, this variant has not been reported in the literature. This variant is reported in 0.012% of alleles in individuals of Latino descent in gnomAD. At this time, the clinical significance of this variant is uncertain due to the absence of conclusive functional and genetic evidence.

Labcorp Genetics (formerly Invitae), Labcorp
Classification: Uncertain significance. Last evaluated: 2025-07-15. Review status: criteria provided, single submitter. Criteria: Invitae Variant Classification Sherloc (09022015). Collection method: clinical testing. Allele origin: germline.
Comment: This sequence change replaces isoleucine, which is neutral and non-polar, with valine, which is neutral and non-polar, at codon 582 of the LRP5 protein (p.Ile582Val). This variant is present in population databases (no rsID available, gnomAD 0.01%). This variant has not been reported in the literature in individuals affected with LRP5-related conditions. ClinVar contains an entry for this variant (Variation ID: 939331). Invitae Evidence Modeling of protein sequence and biophysical properties (such as structural, functional, and spatial information, amino acid conservation, physicochemical variation, residue mobility, and thermodynamic stability) indicates that this missense variant is not expected to disrupt LRP5 protein function with a negative predictive value of 95%. In summary, the available evidence is currently insufficient to determine the role of this variant in disease. Therefore, it has been classified as a Variant of Uncertain Significance.

Fulgent Genetics
Classification: Uncertain significance for Worth disease; Osteoporosis with pseudoglioma; Exudative vitreoretinopathy 4; Bone mineral density quantitative trait locus 1; Autosomal dominant osteopetrosis 1; Polycystic liver disease 4 with or without kidney cysts. Last evaluated: 2024-05-31. Review status: criteria provided, single submitter. Criteria: ACMG Guidelines, 2015. Collection method: clinical testing. Allele origin: germline.

Ambry Genetics
Classification: Uncertain significance for Inborn genetic diseases. Last evaluated: 2024-01-09. Review status: criteria provided, single submitter. Criteria: Ambry Variant Classification Scheme 2023. Collection method: clinical testing. Allele origin: germline.

GeneDx
Classification: Uncertain significance. Last evaluated: 2023-05-08. Review status: criteria provided, single submitter. Criteria: GeneDx Variant Classification Process June 2021. Collection method: clinical testing. Allele origin: germline. Affected: yes.
Comment: In silico analysis supports that this missense variant does not alter protein structure/function; Has not been previously published as pathogenic or benign to our knowledge

NM_002335.4(LRP5):c.1744A>G (p.Ile582Val)

Gene: LRP5 (LDL receptor related protein 5; plus strand). Cytogenetic location: 11q13.2.
Variant type: single nucleotide variant.
Coding change: c.1744A>G on transcript NM_002335.4 (MANE Select); coding-DNA position 1744, A replaced by G.
Protein change: p.Ile582Val; replaces isoleucine 582 with valine.
Molecular consequence: missense variant. On other transcripts: 5 prime UTR variant (1).
Genome position (GRCh38, 1-based): chr11:68,403,642, A>G. VCF-style: chr11-68403642-A-G. GRCh37 (hg19) VCF-style: chr11-68171110-A-G.
Other names: c.-194A>G (NM_001291902.2); short protein forms I582V.
Identifiers: ClinVar variation 939331 (VCV000939331.14), dbSNP rs1056743758, ClinGen allele CA224266817.
Genomic context (GRCh38, chr11:68,403,642, plus strand): 5'-GACTGGCAGCGCCGCAGCATCGAGCGGGTGCACAAGGTCAAGGCCAGCCGGGACGTCATC[A>G]TTGACCAGCTGCCCGACCTGATGGGGCTCAAAGCTGTGAATGTGGCCAAGGTCGTCGGTG-3'
Protein context (NP_002326.2, residues 572-592): HKVKASRDVI[Ile582Val]DQLPDLMGLK